The following is an entry in ClinVar:

NM_003628.6(PKP4):c.2424C>G (p.Ile808Met)

Genes: PKP4 (plakophilin 4; plus strand), PKP4-AS1 (PKP4 antisense RNA 1; minus strand). Cytogenetic location: 2q24.1.
Variant type: single nucleotide variant.
Coding change: c.2424C>G on transcript NM_003628.6 (MANE Select); coding-DNA position 2424, C replaced by G.
Protein change: p.Ile808Met; replaces isoleucine 808 with methionine.
Molecular consequence: missense variant.
Genome position (GRCh38, 1-based): chr2:158,663,292, C>G. VCF-style: chr2-158663292-C-G. GRCh37 (hg19) VCF-style: chr2-159519804-C-G.
Other names: c.2424C>G, p.Ile808Met (NM_001005476.4, NM_001304971.2, NM_001377218.1 and 1 more transcripts); c.2421C>G, p.Ile807Met (NM_001304969.3, NM_001377219.1, NM_001377220.1 and 2 more transcripts); c.1395C>G, p.Ile465Met (NM_001304970.3); c.2418C>G, p.Ile806Met (NM_001377222.1, NM_001377223.1); c.2415C>G, p.Ile805Met (NM_001377224.1); short protein forms I807M, I465M, I805M, I808M, I806M.
Identifiers: ClinVar variation 1791056 (VCV001791056.2), dbSNP rs1321289038, ClinGen allele CA348903049.

ClinVar aggregate classification (germline): Uncertain significance (1 of 4 stars; one submission).

Allele frequency attached by ClinVar (database versions not stated): gnomAD exomes below 0.00001.
gnomAD v4.1: 1 of 1,613,666 alleles (0.000062%); highest among the groups gnomAD compares: Non-Finnish European, 0.000085%; no homozygotes.

Submission:

Ambry Genetics
Classification: Uncertain significance. Last evaluated: 2021-09-26. Review status: criteria provided, single submitter. Criteria: Ambry Variant Classification Scheme 2023. Collection method: clinical testing. Allele origin: germline.
Comment: The p.I808M variant (also known as c.2424C>G), located in coding exon 14 of the PKP4 gene, results from a C to G substitution at nucleotide position 2424. The isoleucine at codon 808 is replaced by methionine, an amino acid with highly similar properties. This amino acid position is conserved. In addition, the in silico prediction for this alteration is inconclusive. Since supporting evidence is limited at this time, the clinical significance of this alteration remains unclear.